The following is an entry in ClinVar:

NM_000077.5(CDKN2A):c.154ATG[2] (p.Met54del)

Gene: CDKN2A (cyclin dependent kinase inhibitor 2A; minus strand). Cytogenetic location: 9p21.3.
Variant type: Microsatellite.
Coding change: c.154ATG[2] on transcript NM_000077.5; two copies in a row of the 3-base unit ATG starting at c.154; the reference has three copies in a row; one copy, 3 bases deleted.
Protein change: p.Met54del; deletes methionine 54.
Molecular consequence: inframe indel (on NM_000077.6). On other transcripts: inframe deletion (3), initiator codon variant (1), 3 prime UTR variant (1).
Genome position (GRCh38, 1-based): chr9:21,971,197-21,971,199, CAT deleted on the plus strand (ATG on the coding strand, the reverse complement: CDKN2A is on the minus strand); deleting any 3 consecutive bases within chr9:21,971,197-21,971,205 gives the same sequence; the position shown is the placement nearest the transcript's 3' end. VCF-style (leftmost placement, unchanged base first): chr9-21971196-CCAT-C. GRCh37 (hg19) VCF-style: chr9-21971195-CCAT-C.
Other names: c.154_156ATG[2], p.Met54del (NM_000077.6); c.154ATG[2], p.Met54del (NM_001195132.2); c.1ATG[2], p.Met3del (NM_001363763.2); c.197ATG[2], p.Asp68del (NM_058195.4); c.*77ATG[2] (NM_058197.5); c.160_162delATG (NM_000077.4); short protein forms D68del, M54del, M3del.
Identifiers: ClinVar variation 1505753 (VCV001505753.10), dbSNP rs2131096613, ClinGen allele CA2580616162.

ClinVar aggregate classification (germline): Conflicting classifications of pathogenicity. Review status: criteria provided, conflicting classifications (1 of 4 stars). 2 submissions from 2 submitters: Likely pathogenic (1); Uncertain significance (1). Last evaluated 2024-04-08.

Conditions:
Familial melanoma. Also called: Hereditary melanoma; Hereditary cutaneous melanoma. Identifiers: Orphanet 618, MedGen C1512419, MONDO:0018961.
Hereditary cancer-predisposing syndrome. Also called: Tumor predisposition; Hereditary neoplastic syndrome; Hereditary Cancer Syndrome; Neoplastic Syndromes, Hereditary. Identifiers: Orphanet 140162, MedGen C0027672, MeSH D009386, MONDO:0015356.

Submissions (2):

Labcorp Genetics (formerly Invitae), Labcorp
Classification: Uncertain significance for Familial melanoma. Last evaluated: 2024-04-08. Review status: criteria provided, single submitter. Criteria: Invitae Variant Classification Sherloc (09022015). Collection method: clinical testing. Allele origin: germline.
Comment: The CDKN2A gene encodes two different proteins, p16INK4a and p14ARF, which are translated from alternative transcripts with different open reading frames. Both transcripts have been analyzed. We report either the variant with the higher classification or default to the CDKN2A (p16INK4a) variant. This report therefore includes the details for the CDKN2A (p16INK4a) variant. This variant, c.160_162del, results in the deletion of 1 amino acid(s) of the CDKN2A (p16INK4a) protein (p.Met54del), but otherwise preserves the integrity of the reading frame. This variant is not present in population databases (gnomAD no frequency). This variant has been observed in individual(s) with melanoma (PMID: 20653773). This variant is also known as c.203_205del (p.Asp68del) in the CDKN2A (p14ARF) transcript. ClinVar contains an entry for this variant (Variation ID: 1505753). Experimental studies and prediction algorithms are not available or were not evaluated, and the functional significance of this variant is currently unknown. In summary, the available evidence is currently insufficient to determine the role of this variant in disease. Therefore, it has been classified as a Variant of Uncertain Significance.

Ambry Genetics
Classification: Likely pathogenic for Hereditary cancer-predisposing syndrome. Last evaluated: 2021-09-03. Review status: criteria provided, single submitter. Criteria: Ambry Variant Classification Scheme 2023. Collection method: clinical testing. Allele origin: germline.
Comment: The c.160_162delATG variant (also known as p.M54del) is located in coding exon 2 of the CDKN2A gene. This variant results from an in-frame ATG deletion at nucleotide positions 160 to 162. This results in the in-frame deletion of a methionine at codon 54. In one study, this alteration was identified in two siblings with melanoma from a Spanish familial melanoma kindred (de Torre C et al. Exp Dermatol, 2010 Aug;19:e333-5). Based on internal structural analysis, M54del is predicted to disrupt the structure more than other nearby known pathogenic variants (Ambry internal data; Byeon IJ et al. Mol Cell, 1998 Feb;1:421-31). This variant is considered to be rare based on population cohorts in the Genome Aggregation Database (gnomAD). This amino acid position is well conserved in available vertebrate species. In addition, this alteration is predicted to be deleterious by in silico analysis (Choi Y et al. PLoS ONE. 2012; 7(10):e46688). Based on the majority of available evidence to date, this variant is likely to be pathogenic.

Literature cited by the submitters: PubMed 20653773 (cited by Labcorp Genetics (formerly Invitae), Labcorp and Ambry Genetics); PubMed 10667596 (cited by Ambry Genetics); PubMed 9660926 (cited by Ambry Genetics).